The following is an entry in ClinVar:

NM_014679.5(CEP57):c.22G>C (p.Ala8Pro)

Genes: CEP57 (centrosomal protein 57; plus strand), LOC130006618 (ATAC-STARR-seq lymphoblastoid active region 5417; plus strand). Cytogenetic location: 11q21.
Variant type: single nucleotide variant.
Coding change: c.22G>C on transcript NM_014679.5 (MANE Select); coding-DNA position 22, G replaced by C.
Protein change: p.Ala8Pro; replaces alanine 8 with proline.
Molecular consequence: missense variant. On other transcripts: 5 prime UTR variant (7), intron variant (1).
Genome position (GRCh38, 1-based): chr11:95,790,720, G>C. VCF-style: chr11-95790720-G-C. GRCh37 (hg19) VCF-style: chr11-95523884-G-C.
Other names: c.-50G>C (NM_001243776.2); c.22G>C, p.Ala8Pro (NM_001243777.2, NM_001440871.1, NM_001440872.1 and 6 more transcripts); c.-373G>C (NM_001363604.2, NM_001440877.1); c.-55G>C (NM_001440870.1, NM_001440875.1, NM_001440878.1 and 1 more transcripts); c.-37+578G>C (NM_001440869.1); short protein forms A8P.
Identifiers: ClinVar variation 5034393 (VCV005034393.1).
Genomic context (GRCh38, chr11:95,790,720, plus strand): 5'-CGCCCCCGAAGTGCGGAGACCCCCTGGGCAGGCTGAAAGATGGCGGCGGCGTCTGTCTCT[G>C]CGGCTTCTGGTTCTCACTTGTCGGTAAGAAGCAGTTGGCGCGAGTGGGCCCCACGTCGGC-3'
Protein context (NP_055494.2, residues 1-18): MAAASVS[Ala8Pro]ASGSHLSNSF

ClinVar aggregate classification (germline): Uncertain significance (1 of 4 stars; one submission).

Conditions:
Inborn genetic diseases. Identifiers: MedGen C0950123, MeSH D030342.

Submission:

Ambry Genetics
Classification: Uncertain significance for Inborn genetic diseases. Last evaluated: 2026-09-06. Review status: criteria provided, single submitter. Criteria: Ambry Variant Classification Scheme 2023. Collection method: clinical testing. Allele origin: germline.
Comment: The p.A8P variant (also known as c.22G>C), located in coding exon 1 of the CEP57 gene, results from a G to C substitution at nucleotide position 22. The alanine at codon 8 is replaced by proline, an amino acid with highly similar properties. This amino acid position is conserved. In addition, this alteration is predicted to be tolerated by in silico analysis. Based on the available evidence, the clinical significance of this variant remains unclear.